The following is an entry in ClinVar:

ClinVar aggregate classification (germline): Uncertain significance (1 of 4 stars; one submission).

Submission:

GeneDx
Classification: Uncertain significance. Last evaluated: 2026-01-15. Review status: criteria provided, single submitter. Criteria: GeneDx Variant Classification Process June 2021. Collection method: clinical testing. Allele origin: germline.
Comment: Nonsense variant predicted to result in protein truncation or nonsense mediated decay in a gene or region of a gene for which loss of function is not a well-established mechanism of disease; Has not been previously published as pathogenic or benign to our knowledge; Not observed at significant frequency in large population cohorts (gnomAD); Reported using an alternate transcript of the gene

NM_182641.4(BPTF):c.7534C>T (p.Gln2512Ter)

Gene: BPTF (bromodomain PHD finger transcription factor; plus strand). Cytogenetic location: 17q24.2.
Variant type: single nucleotide variant.
Coding change: c.7534C>T on transcript NM_182641.4 (MANE Select); coding-DNA position 7534, C replaced by T.
Protein change: p.Gln2512Ter; replaces glutamine 2512 with a stop codon.
Molecular consequence: nonsense. On other transcripts: intron variant (1).
Genome position (GRCh38, 1-based): chr17:67,946,242, C>T. VCF-style: chr17-67946242-C-T. GRCh37 (hg19) VCF-style: chr17-65942358-C-T.
Other names: c.7566+346C>T (NM_004459.7); short protein forms Q2512*.
Identifiers: ClinVar variation 3899726 (VCV003899726.2).
Genomic context (GRCh38, chr17:67,946,242, plus strand): 5'-GTGCAGGCAGCCAGTGTGCAAGAGCAGTTGCAAAGGGTTCAGCAACTCAGGGATCAGCAG[C>T]AAAAGAAGAAACAGCAACAGATAGAAATTAAGCGTGAACACACCCTCCAAGCTTCTAATC-3'